The following is an entry in ClinVar:

NM_004360.5(CDH1):c.242G>C (p.Gly81Ala)

Gene: CDH1 (cadherin 1; plus strand). Cytogenetic location: 16q22.1.
Variant type: single nucleotide variant.
Coding change: c.242G>C on transcript NM_004360.5 (MANE Select); coding-DNA position 242, G replaced by C.
Protein change: p.Gly81Ala; replaces glycine 81 with alanine.
Molecular consequence: missense variant. On other transcripts: 5 prime UTR variant (2).
Genome position (GRCh38, 1-based): chr16:68,801,748, G>C. VCF-style: chr16-68801748-G-C. GRCh37 (hg19) VCF-style: chr16-68835651-G-C.
Other names: c.242G>C, p.Gly81Ala (NM_001317184.2); c.-1374G>C (NM_001317185.2); c.-1578G>C (NM_001317186.2); short protein forms G81A.
Identifiers: ClinVar variation 5033892 (VCV005033892.1).

ClinVar aggregate classification (germline): Uncertain significance (1 of 4 stars; one submission).

Conditions:
Hereditary cancer-predisposing syndrome. Also called: Neoplastic Syndromes, Hereditary; Tumor predisposition; Hereditary neoplastic syndrome; Hereditary Cancer Syndrome. Identifiers: Orphanet 140162, MedGen C0027672, MeSH D009386, MONDO:0015356.

Submission:

Ambry Genetics
Classification: Uncertain significance for Hereditary cancer-predisposing syndrome. Last evaluated: 2026-07-06. Review status: criteria provided, single submitter. Criteria: Ambry Variant Classification Scheme 2023. Collection method: clinical testing. Allele origin: germline.
Comment: The p.G81A variant (also known as c.242G>C), located in coding exon 3 of the CDH1 gene, results from a G to C substitution at nucleotide position 242. The glycine at codon 81 is replaced by alanine, an amino acid with similar properties. This amino acid position is highly conserved in available vertebrate species. In addition, this alteration is predicted to be deleterious by in silico analysis. Based on the available evidence, the clinical significance of this variant remains unclear.